The following is an entry in ClinVar:

NM_007327.4(GRIN1):c.2104A>T (p.Met702Leu)

Gene: GRIN1 (glutamate ionotropic receptor NMDA type subunit 1; plus strand). Cytogenetic location: 9q34.3.
Variant type: single nucleotide variant.
Coding change: c.2104A>T on transcript NM_007327.4 (MANE Select); coding-DNA position 2104, A replaced by T.
Protein change: p.Met702Leu; replaces methionine 702 with leucine.
Molecular consequence: missense variant.
Genome position (GRCh38, 1-based): chr9:137,162,936, A>T. VCF-style: chr9-137162936-A-T. GRCh37 (hg19) VCF-style: chr9-140057388-A-T.
Other names: c.2104A>T, p.Met702Leu (NM_000832.7, NM_021569.4); c.2167A>T, p.Met723Leu (NM_001185090.2, NM_001185091.2, NM_001437330.1 and 1 more transcripts); short protein forms M723L, M702L.
Identifiers: ClinVar variation 4621143 (VCV004621143.1).
Genomic context (GRCh38, chr9:137,162,936, plus strand): 5'-GCCACGGTGAAGCAGAGCTCCGTGGATATCTACTTCCGGCGCCAGGTGGAGCTGAGCACC[A>T]TGTACCGGCATATGGAGAAGCACAACTACGAGAGTGCGGCGGAGGCCATCCAGGCCGTGA-3'
Protein context (NP_015566.1, residues 692-712): YFRRQVELST[Met702Leu]YRHMEKHNYE

ClinVar aggregate classification (germline): Uncertain significance (1 of 4 stars; one submission).

Conditions:
Inborn genetic diseases. Identifiers: MedGen C0950123, MeSH D030342.

Submission:

Ambry Genetics
Classification: Uncertain significance for Inborn genetic diseases. Last evaluated: 2025-11-14. Review status: criteria provided, single submitter. Criteria: Ambry Variant Classification Scheme 2023. Collection method: clinical testing. Allele origin: germline.
Comment: The c.2104A>T (p.M702L) alteration is located in exon 15 (coding exon 15) of the GRIN1 gene. This alteration results from a A to T substitution at nucleotide position 2104, causing the methionine (M) at amino acid position 702 to be replaced by a leucine (L). This variant was not reported in population-based cohorts in the Genome Aggregation Database (gnomAD). This amino acid position is highly conserved in available vertebrate species. This missense alteration is located in a region that has a low rate of benign missense variation (Lek, 2016; Firth, 2009). The in silico prediction for this alteration is inconclusive. Based on insufficient or conflicting evidence, the clinical significance of this alteration remains unclear.